The following is an entry in ClinVar:

NM_001029883.3(PCARE):c.1697AGG[5] (p.Glu569dup)

Gene: PCARE (photoreceptor cilium actin regulator; minus strand). Cytogenetic location: 2p23.2.
Variant type: Microsatellite.
Coding change: c.1697AGG[5] on transcript NM_001029883.3 (MANE Select); five copies in a row of the 3-base unit AGG starting at c.1697; the reference has four copies in a row; one copy, 3 bases duplicated.
Protein change: p.Glu569dup; duplicates glutamic acid 569.
Molecular consequence: inframe insertion.
Genome position (GRCh38, 1-based): chr2:29,072,554-29,072,556, CCT duplicated on the plus strand (AGG on the coding strand, the reverse complement: PCARE is on the minus strand); duplicating any 3 consecutive bases within chr2:29,072,554-29,072,566 gives the same sequence; the position shown is the placement nearest the transcript's 3' end. VCF-style (leftmost placement, unchanged base first): chr2-29072553-C-CCCT. GRCh37 (hg19) VCF-style: chr2-29295419-C-CCCT.
Identifiers: ClinVar variation 1016669 (VCV001016669.6), dbSNP rs755160338, ClinGen allele CA1241018756.

ClinVar aggregate classification (germline): Uncertain significance (1 of 4 stars; one submission).

Submission:

Labcorp Genetics (formerly Invitae), Labcorp
Classification: Uncertain significance. Last evaluated: 2022-10-24. Review status: criteria provided, single submitter. Criteria: Invitae Variant Classification Sherloc (09022015). Collection method: clinical testing. Allele origin: germline.
Comment: This variant has not been reported in the literature in individuals affected with PCARE-related conditions. This variant is not present in population databases (gnomAD no frequency). This variant, c.1706_1708dup, results in the insertion of 1 amino acid(s) of the PCARE protein (p.Glu569dup), but otherwise preserves the integrity of the reading frame. Experimental studies and prediction algorithms are not available or were not evaluated, and the functional significance of this variant is currently unknown. In summary, the available evidence is currently insufficient to determine the role of this variant in disease. Therefore, it has been classified as a Variant of Uncertain Significance.